The following is an entry in ClinVar:

ClinVar aggregate classification (germline): Uncertain significance. Review status: criteria provided, multiple submitters, no conflicts (2 of 4 stars). 2 submissions from 2 submitters: Uncertain significance (2). Last evaluated 2025-02-17.

Submissions (2):

Women's Health and Genetics/Laboratory Corporation of America, LabCorp
Classification: Uncertain significance. Last evaluated: 2025-02-17. Review status: criteria provided, single submitter. Criteria: LabCorp Variant Classification Summary - May 2015. Collection method: clinical testing. Allele origin: germline.
Comment: Variant summary: USH2A c.5122G>A (p.Gly1708Arg) results in a non-conservative amino acid change in the encoded protein sequence. Five of five in-silico tools predict a damaging effect of the variant on protein function. The variant was absent in 250538 control chromosomes. The available data on variant occurrences in the general population are insufficient to allow any conclusion about variant significance. c.5122G>A has been reported in the literature in at least one compound heterozygous individual affected with Usher Syndrome (e,g, Neuhaus_2017). These data do not allow any conclusion about variant significance. To our knowledge, no experimental evidence demonstrating an impact on protein function has been reported. The following publication has been ascertained in the context of this evaluation (PMID: 28944237). ClinVar contains an entry for this variant (Variation ID: 2202960). Based on the evidence outlined above, the variant was classified as uncertain significance.

Labcorp Genetics (formerly Invitae), Labcorp
Classification: Uncertain significance. Last evaluated: 2024-10-24. Review status: criteria provided, single submitter. Criteria: Invitae Variant Classification Sherloc (09022015). Collection method: clinical testing. Allele origin: germline.
Comment: This sequence change replaces glycine, which is neutral and non-polar, with arginine, which is basic and polar, at codon 1708 of the USH2A protein (p.Gly1708Arg). This variant is not present in population databases (gnomAD no frequency). This missense change has been observed in individual(s) with Usher syndrome (PMID: 28944237). ClinVar contains an entry for this variant (Variation ID: 2202960). Invitae Evidence Modeling of protein sequence and biophysical properties (such as structural, functional, and spatial information, amino acid conservation, physicochemical variation, residue mobility, and thermodynamic stability) indicates that this missense variant is expected to disrupt USH2A protein function with a positive predictive value of 95%. In summary, the available evidence is currently insufficient to determine the role of this variant in disease. Therefore, it has been classified as a Variant of Uncertain Significance.

Literature cited by the submitters: PubMed 28944237 (cited by Women's Health and Genetics/Laboratory Corporation of America, LabCorp and Labcorp Genetics (formerly Invitae), Labcorp).

NM_206933.4(USH2A):c.5122G>A (p.Gly1708Arg)

Genes: USH2A (usherin; minus strand), USH2A-AS2 (USH2A antisense RNA 2; plus strand). Cytogenetic location: 1q41.
Variant type: single nucleotide variant.
Coding change: c.5122G>A on transcript NM_206933.4 (MANE Select); coding-DNA position 5122, G replaced by A.
Protein change: p.Gly1708Arg; replaces glycine 1708 with arginine.
Molecular consequence: missense variant.
Genome position (GRCh38, 1-based): chr1:216,084,743, C>T on the plus strand (G>A on the coding strand, the complement: USH2A is on the minus strand). VCF-style: chr1-216084743-C-T. GRCh37 (hg19) VCF-style: chr1-216258085-C-T.
Other names: short protein forms G1708R.
Identifiers: ClinVar variation 2202960 (VCV002202960.4), dbSNP rs2032069546, ClinGen allele CA344858859.